The following is an entry in ClinVar:

ClinVar aggregate classification (germline): Uncertain significance. Review status: criteria provided, multiple submitters, no conflicts (2 of 4 stars). 2 submissions from 2 submitters: Uncertain significance (2). Last evaluated 2023-11-30.

Conditions:
Developmental and epileptic encephalopathy, 25 (DEE25). Also called: Epileptic encephalopathy, early infantile, 25; Developmental and epileptic encephalopathy 25, with amelogenesis imperfecta; Epileptic encephalopathy, early infantile, 25, with amelogenesis imperfecta. Identifiers: Orphanet 442835, MedGen C4014621, MONDO:0014392, OMIM 615905.

Allele frequency attached by ClinVar (database versions not stated): ExAC 0.00002; gnomAD exomes 0.00003; TOPMed 0.00003; gnomAD 0.00004; 1000 Genomes Project 30x 0.00016; 1000 Genomes Project 0.00020.
gnomAD v4.1: 51 of 1,593,638 alleles (0.0032%); highest among the groups gnomAD compares: East Asian, 0.0068%; no homozygotes.

Submissions (2):

Blueprint Genetics
Classification: Uncertain significance. Last evaluated: 2023-11-30. Review status: criteria provided, single submitter. Criteria: ACMG Guidelines, 2015. Collection method: clinical testing. Allele origin: germline.

Labcorp Genetics (formerly Invitae), Labcorp
Classification: Uncertain significance for Developmental and epileptic encephalopathy, 25. Last evaluated: 2023-10-03. Review status: criteria provided, single submitter. Criteria: Invitae Variant Classification Sherloc (09022015). Collection method: clinical testing. Allele origin: germline.
Comment: This sequence change replaces arginine, which is basic and polar, with cysteine, which is neutral and slightly polar, at codon 481 of the SLC13A5 protein (p.Arg481Cys). This variant is present in population databases (rs555139145, gnomAD 0.02%). This variant has not been reported in the literature in individuals affected with SLC13A5-related conditions. ClinVar contains an entry for this variant (Variation ID: 659306). Advanced modeling of protein sequence and biophysical properties (such as structural, functional, and spatial information, amino acid conservation, physicochemical variation, residue mobility, and thermodynamic stability) performed at Invitae indicates that this missense variant is not expected to disrupt SLC13A5 protein function. In summary, the available evidence is currently insufficient to determine the role of this variant in disease. Therefore, it has been classified as a Variant of Uncertain Significance.

NM_177550.5(SLC13A5):c.1441C>T (p.Arg481Cys)

Gene: SLC13A5 (solute carrier family 13 member 5; minus strand). Cytogenetic location: 17p13.1.
Variant type: single nucleotide variant.
Coding change: c.1441C>T on transcript NM_177550.5 (MANE Select); coding-DNA position 1441, C replaced by T.
Protein change: p.Arg481Cys; replaces arginine 481 with cysteine.
Molecular consequence: missense variant. On other transcripts: intron variant (1).
Genome position (GRCh38, 1-based): chr17:6,687,663, G>A on the plus strand (C>T on the coding strand, the complement: SLC13A5 is on the minus strand). VCF-style: chr17-6687663-G-A. GRCh37 (hg19) VCF-style: chr17-6590982-G-A.
Other names: c.1390C>T, p.Arg464Cys (NM_001284509.2); c.1312C>T, p.Arg438Cys (NM_001284510.2); c.1438-1325C>T (NM_001143838.3); short protein forms R438C, R464C, R481C.
Identifiers: ClinVar variation 659306 (VCV000659306.8), dbSNP rs555139145, ClinGen allele CA8331370.